The following is an entry in ClinVar:

ClinVar aggregate classification (germline): Uncertain significance. Review status: criteria provided, multiple submitters, no conflicts (2 of 4 stars). 2 submissions from 2 submitters: Uncertain significance (2). Last evaluated 2025-04-23.

Conditions:
Bethlem myopathy 1A. Also called: MYOPATHY, BENIGN CONGENITAL, WITH CONTRACTURES; Bethlem Muscular Dystrophy; Bethlem myopathy 1. Identifiers: Orphanet 610, MedGen CN029274, MONDO:0024530, OMIM 158810.

Allele frequency attached by ClinVar (database versions not stated): ExAC 0.00001; gnomAD exomes 0.00001.
gnomAD v4.1: 15 of 1,613,024 alleles (0.00093%); highest among the groups gnomAD compares: Non-Finnish European, 0.001%; no homozygotes.

Submissions (2):

Revvity Omics, Revvity
Classification: Uncertain significance. Last evaluated: 2025-04-23. Review status: criteria provided, single submitter. Criteria: ACMG Guidelines, 2015. Collection method: clinical testing. Allele origin: germline.

Labcorp Genetics (formerly Invitae), Labcorp
Classification: Uncertain significance for Bethlem myopathy 1A. Last evaluated: 2022-09-16. Review status: criteria provided, single submitter. Criteria: Invitae Variant Classification Sherloc (09022015). Collection method: clinical testing. Allele origin: germline.
Comment: This variant has not been reported in the literature in individuals affected with COL6A2-related conditions. ClinVar contains an entry for this variant (Variation ID: 542953). Advanced modeling of protein sequence and biophysical properties (such as structural, functional, and spatial information, amino acid conservation, physicochemical variation, residue mobility, and thermodynamic stability) performed at Invitae indicates that this missense variant is not expected to disrupt COL6A2 protein function. Algorithms developed to predict the effect of sequence changes on RNA splicing suggest that this variant may create or strengthen a splice site. In summary, the available evidence is currently insufficient to determine the role of this variant in disease. Therefore, it has been classified as a Variant of Uncertain Significance. This variant is present in population databases (rs761863452, gnomAD 0.0009%). This sequence change replaces alanine, which is neutral and non-polar, with valine, which is neutral and non-polar, at codon 746 of the COL6A2 protein (p.Ala746Val).

NM_001849.4(COL6A2):c.2237C>T (p.Ala746Val)

Gene: COL6A2 (collagen type VI alpha 2 chain; plus strand). Cytogenetic location: 21q22.3.
Variant type: single nucleotide variant.
Coding change: c.2237C>T on transcript NM_001849.4 (MANE Select); coding-DNA position 2237, C replaced by T.
Protein change: p.Ala746Val; replaces alanine 746 with valine.
Molecular consequence: missense variant.
Genome position (GRCh38, 1-based): chr21:46,126,052, C>T. VCF-style: chr21-46126052-C-T. GRCh37 (hg19) VCF-style: chr21-47545966-C-T.
Other names: c.2237C>T, p.Ala746Val (NM_058174.3, NM_058175.3); short protein forms A746V.
Identifiers: ClinVar variation 542953 (VCV000542953.10), dbSNP rs761863452, ClinGen allele CA10072478.